The following is an entry in ClinVar:

ClinVar aggregate classification (germline): Benign/Likely benign. Review status: criteria provided, multiple submitters, no conflicts (2 of 4 stars). 4 submissions from 4 submitters: Benign (1); Likely benign (2). 1 of the submissions does not count toward it. Last evaluated 2026-01-17.

Conditions:
Knobloch syndrome (KNO). Also called: RETINAL DETACHMENT AND OCCIPITAL ENCEPHALOCELE; Myopia retinal detachment encephalocele. Identifiers: Orphanet 1571, MedGen C1849409, MONDO:0800166.
COL18A1-related disorder. Also called: COL18A1-related disorders; COL18A1-related condition.

Allele frequency attached by ClinVar (database versions not stated): TOPMed 0.00002; 1000 Genomes Project 30x 0.00062; 1000 Genomes Project 0.00080.
gnomAD v4.1: 396 of 1,607,174 alleles (0.025%); highest among the groups gnomAD compares: South Asian, 0.36%; 6 homozygotes.

Submissions (4):

Labcorp Genetics (formerly Invitae), Labcorp
Classification: Benign. Last evaluated: 2026-01-17. Review status: criteria provided, single submitter. Criteria: Invitae Variant Classification Sherloc (09022015). Collection method: clinical testing. Allele origin: germline.

Blueprint Genetics
Classification: Likely benign. Last evaluated: 2024-10-04. Review status: criteria provided, single submitter. Criteria: ACMG Guidelines, 2015. Collection method: clinical testing. Allele origin: germline.

Illumina Laboratory Services, Illumina
Classification: Likely benign for Knobloch syndrome 1. Last evaluated: 2018-01-13. Review status: criteria provided, single submitter. Criteria: ICSL Variant Classification Criteria 13 December 2019. Collection method: clinical testing. Allele origin: germline.
Comment: This variant was observed in the ICSL laboratory as part of a predisposition screen in an ostensibly healthy population. It had not been previously curated by ICSL or reported in the Human Gene Mutation Database (HGMD: prior to June 1st, 2018), and was therefore a candidate for classification through an automated scoring system. Utilizing variant allele frequency, disease prevalence and penetrance estimates, and inheritance mode, an automated score was calculated to assess if this variant is too frequent to cause the disease. Based on the score and internal cut-off values, a variant classified as likely benign is not then subjected to further curation. The score for this variant resulted in a classification of likely benign for this disease.

PreventionGenetics, part of Exact Sciences
Classification: Benign for COL18A1-related condition. Last evaluated: 2020-08-31. Review status: no assertion criteria provided. Collection method: clinical testing. Allele origin: germline. Not counted in ClinVar's aggregate classification.
Comment: This variant is classified as benign based on ACMG/AMP sequence variant interpretation guidelines (Richards et al. 2015 PMID: 25741868, with internal and published modifications).

NM_001379500.1(COL18A1):c.780G>C (p.Glu260Asp)

Gene: COL18A1 (collagen type XVIII alpha 1 chain; plus strand). Cytogenetic location: 21q22.3.
Variant type: single nucleotide variant.
Coding change: c.780G>C on transcript NM_001379500.1 (MANE Select); coding-DNA position 780, G replaced by C.
Protein change: p.Glu260Asp; replaces glutamic acid 260 with aspartic acid.
Molecular consequence: missense variant.
Genome position (GRCh38, 1-based): chr21:45,475,517, G>C. VCF-style: chr21-45475517-G-C. GRCh37 (hg19) VCF-style: chr21-46895431-G-C.
Other names: NM_130445.2:c.780G>C; c.1320G>C, p.Glu440Asp (NM_030582.4); c.2025G>C, p.Glu675Asp (NM_130444.3); c.1320G>C (NM_030582.3); short protein forms E440D, E675D.
Identifiers: ClinVar variation 340205 (VCV000340205.15), dbSNP rs560442019, ClinGen allele CA10065893.
Genomic context (GRCh38, chr21:45,475,517, plus strand): 5'-CCCTTTTCAAACTCCTCAGGCATCCGGAGACTCTGGCAGCGGGCTCGGGGACGCCCGGGA[G>C]CTTCTCAGGGAGGAGACGGTGAGTAGCCGGACGGGGCCCAGCCCACGCTGCAGGGTCCCG-3'
Protein context (NP_001366429.1, residues 250-270): DSGSGLGDAR[Glu260Asp]LLREETGAAL